The following is an entry in ClinVar:

ClinVar aggregate classification (germline): Uncertain significance. Review status: criteria provided, multiple submitters, no conflicts (2 of 4 stars). 5 submissions from 4 submitters: Uncertain significance (5). Last evaluated 2026-01-11.

Conditions:
Seckel syndrome 1 (SCKL1). Also called: MICROCEPHALIC PRIMORDIAL DWARFISM I. Identifiers: Orphanet 808, MedGen C4551474, MONDO:0008869, OMIM 210600.
Inborn genetic diseases. Identifiers: MedGen C0950123, MeSH D030342.
Familial cutaneous telangiectasia and oropharyngeal predisposition cancer syndrome. Identifiers: Orphanet 313846, MedGen C3281203, MONDO:0013806, OMIM 614564.

Allele frequency attached by ClinVar (database versions not stated): gnomAD exomes below 0.00001; TOPMed below 0.00001; gnomAD 0.00001.
gnomAD v4.1: 3 of 1,613,616 alleles (0.00019%); highest among the groups gnomAD compares: Admixed American, 0.005%; no homozygotes.

Submissions (5):

Labcorp Genetics (formerly Invitae), Labcorp
Classification: Uncertain significance. Last evaluated: 2026-01-11. Review status: criteria provided, single submitter. Criteria: Invitae Variant Classification Sherloc (09022015). Collection method: clinical testing. Allele origin: germline.
Comment: This sequence change replaces leucine, which is neutral and non-polar, with valine, which is neutral and non-polar, at codon 2259 of the ATR protein (p.Leu2259Val). This variant is not present in population databases (gnomAD no frequency). This variant has not been reported in the literature in individuals affected with ATR-related conditions. ClinVar contains an entry for this variant (Variation ID: 1304526). An algorithm developed to predict the effect of missense changes on protein structure and function (PolyPhen-2) suggests that this variant is likely to be tolerated. In summary, the available evidence is currently insufficient to determine the role of this variant in disease. Therefore, it has been classified as a Variant of Uncertain Significance.

Genome-Nilou Lab
Classification: Uncertain significance for Seckel syndrome 1. Last evaluated: 2023-02-08. Review status: criteria provided, single submitter. Criteria: ACMG Guidelines, 2015. Collection method: clinical testing. Allele origin: germline.

Genome-Nilou Lab
Classification: Uncertain significance for Familial cutaneous telangiectasia and oropharyngeal predisposition cancer syndrome. Last evaluated: 2023-02-08. Review status: criteria provided, single submitter. Criteria: ACMG Guidelines, 2015. Collection method: clinical testing. Allele origin: germline.

Ambry Genetics
Classification: Uncertain significance for Inborn genetic diseases. Last evaluated: 2021-03-31. Review status: criteria provided, single submitter. Criteria: Ambry Variant Classification Scheme 2023. Collection method: clinical testing. Allele origin: germline.

GeneDx
Classification: Uncertain significance. Last evaluated: 2019-09-05. Review status: criteria provided, single submitter. Criteria: GeneDx Variant Classification Process June 2021. Collection method: clinical testing. Allele origin: germline. Affected: yes.
Comment: Not observed in large population cohorts (Lek et al., 2016); In silico analysis, which includes protein predictors and evolutionary conservation, supports that this variant does not alter protein structure/function; Has not been previously published as pathogenic or benign to our knowledge; This variant is associated with the following publications: (PMID: 29567674)

NM_001184.4(ATR):c.6775C>G (p.Leu2259Val)

Gene: ATR (ATR checkpoint kinase; minus strand). Cytogenetic location: 3q23.
Variant type: single nucleotide variant.
Coding change: c.6775C>G on transcript NM_001184.4 (MANE Select); coding-DNA position 6775, C replaced by G.
Protein change: p.Leu2259Val; replaces leucine 2259 with valine.
Molecular consequence: missense variant.
Genome position (GRCh38, 1-based): chr3:142,466,446, G>C on the plus strand (C>G on the coding strand, the complement: ATR is on the minus strand). VCF-style: chr3-142466446-G-C. GRCh37 (hg19) VCF-style: chr3-142185288-G-C.
Other names: c.6583C>G, p.Leu2195Val (NM_001354579.2); short protein forms L2195V, L2259V.
Identifiers: ClinVar variation 1304526 (VCV001304526.8), dbSNP rs2071133204, ClinGen allele CA354801796.